The following is an entry in ClinVar:

NM_031844.3(HNRNPU):c.1157dup (p.Thr388fs)

Gene: HNRNPU (heterogeneous nuclear ribonucleoprotein U; minus strand). Cytogenetic location: 1q44.
Variant type: Duplication.
Coding change: c.1157dup on transcript NM_031844.3 (MANE Select); coding-DNA position 1157, one base duplicated (T; older notation c.1157dupT).
Protein change: p.Thr388fs; shifts the reading frame from threonine 388.
Molecular consequence: frameshift variant.
Genome position (GRCh38, 1-based): chr1:244,858,802, A duplicated on the plus strand (T on the coding strand, the reverse complement: HNRNPU is on the minus strand). VCF-style (leftmost placement, unchanged base first): chr1-244858801-T-TA. GRCh37 (hg19) VCF-style: chr1-245022103-T-TA.
Other names: c.1100dup, p.Thr369fs (NM_004501.3); short protein forms T369fs, T388fs.
Identifiers: ClinVar variation 1075142 (VCV001075142.45), dbSNP rs2102987155, ClinGen allele CA2499214651.

ClinVar aggregate classification (germline): Pathogenic (1 of 4 stars; one submission).

Conditions:
Developmental and epileptic encephalopathy, 54. Also called: Epileptic encephalopathy, early infantile, 54; HNRNPU-Related Neurodevelopmental Disorder. Identifiers: MedGen C4479319, MONDO:0033363, OMIM 617391.

Submission:

Labcorp Genetics (formerly Invitae), Labcorp
Classification: Pathogenic for Developmental and epileptic encephalopathy, 54. Last evaluated: 2024-09-30. Review status: criteria provided, single submitter. Criteria: Invitae Variant Classification Sherloc (09022015). Collection method: clinical testing. Allele origin: germline.
Comment: This sequence change creates a premature translational stop signal (p.Thr388Asnfs*5) in the HNRNPU gene. It is expected to result in an absent or disrupted protein product. Loss-of-function variants in HNRNPU are known to be pathogenic (PMID: 22678713, 28283832). This variant is not present in population databases (gnomAD no frequency). This variant has not been reported in the literature in individuals affected with HNRNPU-related conditions. ClinVar contains an entry for this variant (Variation ID: 1075142). For these reasons, this variant has been classified as Pathogenic.

Literature cited by the submitters: PubMed 22678713; PubMed 28283832.